The following is an entry in ClinVar:

ClinVar aggregate classification (germline): Uncertain significance (1 of 4 stars; one submission).

Submission:

GeneDx
Classification: Uncertain significance. Last evaluated: 2019-09-26. Review status: criteria provided, single submitter. Criteria: GeneDx Variant Classification Process June 2021. Collection method: clinical testing. Allele origin: germline. Affected: yes.
Comment: Has not been previously published as pathogenic or benign to our knowledge; Not observed in large population cohorts (Lek et al., 2016); In silico analysis, which includes splice predictors and evolutionary conservation, supports a deleterious effect

NM_000088.4(COL1A1):c.588+4A>G

Gene: COL1A1 (collagen type I alpha 1 chain; minus strand). Cytogenetic location: 17q21.33.
Variant type: single nucleotide variant.
Coding change: c.588+4A>G on transcript NM_000088.4 (MANE Select); 4 bases into the intron after coding-DNA position 588, A replaced by G.
Molecular consequence: intron variant.
Genome position (GRCh38, 1-based): chr17:50,198,157, T>C on the plus strand (A>G on the coding strand, the complement: COL1A1 is on the minus strand). VCF-style: chr17-50198157-T-C. GRCh37 (hg19) VCF-style: chr17-48275518-T-C.
Identifiers: ClinVar variation 1308873 (VCV001308873.2), dbSNP rs72667026, ClinGen allele CA2573054489.